The following is an entry in ClinVar:

ClinVar aggregate classification (germline): Uncertain significance (1 of 4 stars; one submission).

Conditions:
Hereditary cancer-predisposing syndrome. Also called: Neoplastic Syndromes, Hereditary; Tumor predisposition; Hereditary neoplastic syndrome; Hereditary Cancer Syndrome. Identifiers: Orphanet 140162, MedGen C0027672, MeSH D009386, MONDO:0015356.

Submission:

Ambry Genetics
Classification: Uncertain significance for Hereditary cancer-predisposing syndrome. Last evaluated: 2026-07-02. Review status: criteria provided, single submitter. Criteria: Ambry Variant Classification Scheme 2023. Collection method: clinical testing. Allele origin: germline.
Comment: The p.Q713H variant (also known as c.2139G>C), located in coding exon 7 of the AXIN2 gene, results from a G to C substitution at nucleotide position 2139. The glutamine at codon 713 is replaced by histidine, an amino acid with highly similar properties. This amino acid position is conserved. In addition, this alteration is predicted to be tolerated by in silico analysis. Based on the available evidence, the clinical significance of this variant remains unclear.

NM_004655.4(AXIN2):c.2139G>C (p.Gln713His)

Gene: AXIN2 (axin 2; minus strand). Cytogenetic location: 17q24.1.
Variant type: single nucleotide variant.
Coding change: c.2139G>C on transcript NM_004655.4 (MANE Select); coding-DNA position 2139, G replaced by C.
Protein change: p.Gln713His; replaces glutamine 713 with histidine.
Molecular consequence: missense variant.
Genome position (GRCh38, 1-based): chr17:65,536,322, C>G on the plus strand (G>C on the coding strand, the complement: AXIN2 is on the minus strand). VCF-style: chr17-65536322-C-G. GRCh37 (hg19) VCF-style: chr17-63532440-C-G.
Other names: c.1944G>C, p.Gln648His (NM_001363813.1); short protein forms Q713H, Q648H.
Identifiers: ClinVar variation 5032527 (VCV005032527.1).
Genomic context (GRCh38, chr17:65,536,322, plus strand): 5'-CAGGTCTCCACCCAAACCCAATCCCTGCCTCAACCTAGGACCCTTCACTTCCACTCACCG[C>G]TGCTTTGGGGGCTTCGACACCTCAGCTAGCCTGCGACAGGCCTCCTCCAGCTGAGCCAGC-3'
Protein context (NP_004646.3, residues 703-723): RLAEVSKPPK[Gln713His]RCCVASQQRD